The following is an entry in ClinVar:

ClinVar aggregate classification (germline): Uncertain significance. Review status: criteria provided, multiple submitters, no conflicts (2 of 4 stars). 2 submissions from 2 submitters: Uncertain significance (2). Last evaluated 2025-08-20.

Conditions:
Inborn genetic diseases. Identifiers: MedGen C0950123, MeSH D030342.

gnomAD v4.1: 1 of 1,600,208 alleles (0.000062%); highest among the groups gnomAD compares: Non-Finnish European, 0.000085%; no homozygotes.

Submissions (2):

Ambry Genetics
Classification: Uncertain significance for Inborn genetic diseases. Last evaluated: 2025-08-20. Review status: criteria provided, single submitter. Criteria: Ambry Variant Classification Scheme 2023. Collection method: clinical testing. Allele origin: germline.

GeneDx
Classification: Uncertain significance. Last evaluated: 2025-01-09. Review status: criteria provided, single submitter. Criteria: GeneDx Variant Classification Process June 2021. Collection method: clinical testing. Allele origin: germline. Affected: yes.
Comment: Not observed at significant frequency in large population cohorts (gnomAD); In silico analysis indicates that this missense variant does not alter protein structure/function; Has not been previously published as pathogenic or benign to our knowledge

NM_001009944.3(PKD1):c.2585C>T (p.Pro862Leu)

Gene: PKD1 (polycystin 1, transient receptor potential channel interacting; minus strand). Cytogenetic location: 16p13.3.
Variant type: single nucleotide variant.
Coding change: c.2585C>T on transcript NM_001009944.3 (MANE Select); coding-DNA position 2585, C replaced by T.
Protein change: p.Pro862Leu; replaces proline 862 with leucine.
Molecular consequence: missense variant.
Genome position (GRCh38, 1-based): chr16:2,114,438, G>A on the plus strand (C>T on the coding strand, the complement: PKD1 is on the minus strand). VCF-style: chr16-2114438-G-A. GRCh37 (hg19) VCF-style: chr16-2164439-G-A.
Other names: c.2585C>T (NM_000296.3); c.2585C>T, p.Pro862Leu (NM_000296.4); short protein forms P862L.
Identifiers: ClinVar variation 4056843 (VCV004056843.2).